The following is an entry in ClinVar:

ClinVar aggregate classification (germline): Uncertain significance. Review status: criteria provided, multiple submitters, no conflicts (2 of 4 stars). 2 submissions from 2 submitters: Uncertain significance (2). Last evaluated 2024-01-22.

Conditions:
Primary ciliary dyskinesia. Also called: Ciliary dyskinesia. Identifiers: Orphanet 244, MedGen C0008780, MONDO:0016575, HP:0012265.

Allele frequency attached by ClinVar (database versions not stated): gnomAD exomes below 0.00001; TOPMed below 0.00001; gnomAD 0.00001.
gnomAD v4.1: 3 of 1,613,950 alleles (0.00019%); highest among the groups gnomAD compares: Admixed American, 0.0017%; no homozygotes.

Submissions (2):

Ambry Genetics
Classification: Uncertain significance for Primary ciliary dyskinesia. Last evaluated: 2024-01-22. Review status: criteria provided, single submitter. Criteria: Ambry Variant Classification Scheme 2023. Collection method: clinical testing. Allele origin: germline.
Comment: The p.E190A variant (also known as c.569A>C), located in coding exon 4 of the CCDC40 gene, results from an A to C substitution at nucleotide position 569. The glutamic acid at codon 190 is replaced by alanine, an amino acid with dissimilar properties. This amino acid position is conserved. In addition, this alteration is predicted to be tolerated by in silico analysis. Based on the available evidence, the clinical significance of this alteration remains unclear.

Labcorp Genetics (formerly Invitae), Labcorp
Classification: Uncertain significance for Primary ciliary dyskinesia. Last evaluated: 2022-12-14. Review status: criteria provided, single submitter. Criteria: Invitae Variant Classification Sherloc (09022015). Collection method: clinical testing. Allele origin: germline.
Comment: In summary, the available evidence is currently insufficient to determine the role of this variant in disease. Therefore, it has been classified as a Variant of Uncertain Significance. Algorithms developed to predict the effect of missense changes on protein structure and function output the following: SIFT: "Tolerated"; PolyPhen-2: "Benign"; Align-GVGD: "Class C0". The alanine amino acid residue is found in multiple mammalian species, which suggests that this missense change does not adversely affect protein function. This sequence change replaces glutamic acid, which is acidic and polar, with alanine, which is neutral and non-polar, at codon 190 of the CCDC40 protein (p.Glu190Ala). This variant is not present in population databases (gnomAD no frequency). This variant has not been reported in the literature in individuals affected with CCDC40-related conditions.

NM_017950.4(CCDC40):c.569A>C (p.Glu190Ala)

Gene: CCDC40 (coiled-coil domain 40 molecular ruler complex subunit; plus strand). Cytogenetic location: 17q25.3.
Variant type: single nucleotide variant.
Coding change: c.569A>C on transcript NM_017950.4 (MANE Select); coding-DNA position 569, A replaced by C.
Protein change: p.Glu190Ala; replaces glutamic acid 190 with alanine.
Molecular consequence: missense variant.
Genome position (GRCh38, 1-based): chr17:80,047,295, A>C. VCF-style: chr17-80047295-A-C. GRCh37 (hg19) VCF-style: chr17-78021094-A-C.
Other names: c.569A>C (NM_017950.3); c.569A>C, p.Glu190Ala (NM_001243342.2, NM_001330508.2); short protein forms E190A.
Identifiers: ClinVar variation 2958383 (VCV002958383.4), dbSNP rs1568673922, ClinGen allele CA401351845.